The following is an entry in ClinVar:

ClinVar aggregate classification (germline): Pathogenic/Likely pathogenic. Review status: no assertion criteria provided (0 of 4 stars). 2 submissions from 2 submitters: Pathogenic (1); Likely pathogenic (1). Last evaluated 2017-08-03.

Conditions:
Amelogenesis imperfecta - hypoplastic autosomal dominant - local (AI1B). Also called: ENAMEL HYPOPLASIA, HEREDITARY LOCALIZED; Amelogenesis imperfecta type 1B. Identifiers: Orphanet 88661, MedGen C0399368, MONDO:0007092, OMIM 104500. Disease mechanism: loss of function.

Allele frequency attached by ClinVar (database versions not stated): gnomAD exomes below 0.00001.
gnomAD v4.1: 3 of 1,613,706 alleles (0.00019%); highest among the groups gnomAD compares: Non-Finnish European, 0.00025%; no homozygotes.

Submissions (2):

OMIM
Classification: Pathogenic for AMELOGENESIS IMPERFECTA, TYPE IB. Last evaluated: 2017-08-03. Review status: no assertion criteria provided. Collection method: literature only. Allele origin: germline.

Leeds Amelogenesis Imperfecta Research Group, University of Leeds
Classification: Likely pathogenic for Amelogenesis imperfecta - hypoplastic autosomal dominant - local. Last evaluated: 2016-05-11. Review status: no assertion criteria provided. Collection method: research. Allele origin: inherited. Inheritance: Autosomal dominant inheritance. Affected: yes. Observed: 17 variant alleles, 17 heterozygotes. Clinical features observed: Amelogenesis imperfecta.
Comment: Variant identified in 5 families with amelogenesis imperfecta, variant segregates with phenotype in all cases. Pathogenicity predictions by SIFT, Polyphen-2 (HumVar), Mutation Taster, CADD v1.3 and Grantham score all suggest that the NM_031889.2:c.92T>G substitution may be pathogenic. The affected residue lies within the signal peptide sequence of ENAM.

Literature cited by the submitters: PubMed 28334996 (cited by OMIM and Leeds Amelogenesis Imperfecta Research Group, University of Leeds).

NM_031889.3(ENAM):c.92T>G (p.Leu31Arg)

Gene: ENAM (enamelin; plus strand). Cytogenetic location: 4q13.3.
Variant type: single nucleotide variant.
Coding change: c.92T>G on transcript NM_031889.3 (MANE Select); coding-DNA position 92, T replaced by G.
Protein change: p.Leu31Arg; replaces leucine 31 with arginine.
Molecular consequence: missense variant.
Genome position (GRCh38, 1-based): chr4:70,631,707, T>G. VCF-style: chr4-70631707-T-G. GRCh37 (hg19) VCF-style: chr4-71497424-T-G.
Other names: short protein forms L31R.
Identifiers: ClinVar variation 374930 (VCV000374930.3), dbSNP rs1060499539, ClinGen allele CA16609343.
Genomic context (GRCh38, chr4:70,631,707, plus strand): 5'-TAAAAATCAATTTTTTATTCTAGGTACCAAAAGGCAAAATGAAGATTCTCCTGGTCTTTC[T>G]AGGGCTTCTTGGTAATTCTGTTGCTATGCCAGTGAGTATTTTTTAAATGTTAGCTCTTCT-3'
Protein context (NP_114095.2, residues 21-41): KGKMKILLVF[Leu31Arg]GLLGNSVAMP